The following is an entry in ClinVar:

NM_001306084.2(CFAP54):c.66A>G (p.Pro22=)

Genes: CFAP54 (cilia and flagella associated protein 54; plus strand), LOC113939937 (Sharpr-MPRA regulatory region 2123; plus strand). Cytogenetic location: 12q23.1.
Variant type: single nucleotide variant.
Coding change: c.66A>G on transcript NM_001306084.2 (MANE Select); coding-DNA position 66, A replaced by G.
Protein change: p.Pro22=; no amino-acid change (proline 22 retained).
Molecular consequence: synonymous variant.
Genome position (GRCh38, 1-based): chr12:96,489,675, A>G. VCF-style: chr12-96489675-A-G. GRCh37 (hg19) VCF-style: chr12-96883453-A-G.
Other names: c.66A>G, p.Pro22= (NM_001367885.1).
Identifiers: ClinVar variation 2643224 (VCV002643224.25), dbSNP rs751441080, ClinGen allele CA6729691.

ClinVar aggregate classification (germline): Likely benign. Review status: criteria provided, multiple submitters, no conflicts (2 of 4 stars). 2 submissions from 2 submitters: Likely benign (2). Last evaluated 2023-02-01.

Allele frequency attached by ClinVar (database versions not stated): gnomAD 0.00008; TOPMed 0.00008; ExAC 0.00024.
gnomAD v4.1: 134 of 1,535,716 alleles (0.0087%); highest among the groups gnomAD compares: Middle Eastern, 0.1%; 1 homozygote.

Submissions (2):

CeGaT Center for Human Genetics Tuebingen
Classification: Likely benign. Last evaluated: 2023-02-01. Review status: criteria provided, single submitter. Criteria: CeGaT Center For Human Genetics Tuebingen Variant Classification Criteria Version 2. Collection method: clinical testing. Allele origin: germline. Affected: yes. Observed: 1 variant allele.
Comment: CFAP54: BP4, BP7

Breakthrough Genomics
Classification: Likely benign. Review status: criteria provided, single submitter. Criteria: ACMG Guidelines, 2015. Collection method: not provided. Allele origin: germline. Inheritance: Unknown mechanism. Affected: yes.